The following is an entry in ClinVar:

ClinVar aggregate classification (germline): Uncertain significance (1 of 4 stars; one submission).

Conditions:
Cystic fibrosis (CF). Also called: MUCOVISCIDOSIS. Identifiers: Orphanet 586, MedGen C0010674, MONDO:0009061, OMIM 219700. Disease mechanism: loss of function.

Submission:

Ambry Genetics
Classification: Uncertain significance for Cystic fibrosis. Last evaluated: 2024-07-25. Review status: criteria provided, single submitter. Criteria: Ambry Variant Classification Scheme 2023. Collection method: clinical testing. Allele origin: germline.
Comment: The p.P1205R variant (also known as c.3614C>G), located in coding exon 22 of the CFTR gene, results from a C to G substitution at nucleotide position 3614. The proline at codon 1205 is replaced by arginine, an amino acid with dissimilar properties. This amino acid position is conserved. In addition, this alteration is predicted to be deleterious by in silico analysis. Since supporting evidence is limited at this time, the clinical significance of this alteration remains unclear.

NM_000492.4(CFTR):c.3614C>G (p.Pro1205Arg)

Genes: CFTR (CF transmembrane conductance regulator; plus strand), CFTR-AS2 (CFTR antisense RNA 2; minus strand). Cytogenetic location: 7q31.2.
Variant type: single nucleotide variant.
Coding change: c.3614C>G on transcript NM_000492.4 (MANE Select); coding-DNA position 3614, C replaced by G.
Protein change: p.Pro1205Arg; replaces proline 1205 with arginine.
Molecular consequence: missense variant.
Genome position (GRCh38, 1-based): chr7:117,627,667, C>G. VCF-style: chr7-117627667-C-G. GRCh37 (hg19) VCF-style: chr7-117267721-C-G.
Other names: short protein forms P1205R.
Identifiers: ClinVar variation 1733261 (VCV001733261.3), dbSNP rs1367899158, ClinGen allele CA368997191.